The following is an entry in ClinVar:

ClinVar aggregate classification (germline): Uncertain significance (1 of 4 stars; one submission).

gnomAD v4.1: 2 of 1,602,858 alleles (0.00012%); highest among the groups gnomAD compares: Non-Finnish European, 0.00017%; no homozygotes.

Submission:

GeneDx
Classification: Uncertain significance. Last evaluated: 2023-07-06. Review status: criteria provided, single submitter. Criteria: GeneDx Variant Classification Process June 2021. Collection method: clinical testing. Allele origin: germline. Affected: yes.
Comment: Not observed at significant frequency in large population cohorts (gnomAD); In silico analysis supports that this missense variant does not alter protein structure/function; Has not been previously published as pathogenic or benign to our knowledge

NM_001371928.1(AHDC1):c.4144C>T (p.Pro1382Ser)

Gene: AHDC1 (AT-hook DNA binding motif containing 1; minus strand). Cytogenetic location: 1p36.11.
Variant type: single nucleotide variant.
Coding change: c.4144C>T on transcript NM_001371928.1 (MANE Select); coding-DNA position 4144, C replaced by T.
Protein change: p.Pro1382Ser; replaces proline 1382 with serine.
Molecular consequence: missense variant.
Genome position (GRCh38, 1-based): chr1:27,547,972, G>A on the plus strand (C>T on the coding strand, the complement: AHDC1 is on the minus strand). VCF-style: chr1-27547972-G-A. GRCh37 (hg19) VCF-style: chr1-27874483-G-A.
Other names: c.4144C>T, p.Pro1382Ser (NM_001029882.3); short protein forms P1382S.
Identifiers: ClinVar variation 3360625 (VCV003360625.1).
Genomic context (GRCh38, chr1:27,547,972, plus strand): 5'-AGGTGGGCGAGTATGCCTTCTGCAGGCCGGCGTCAAACACCGTGGGTGGGTGGGCCAGCG[G>A]TGGGAAATGCTTGCCATCAAGCTCGGGAGCACCCAGGCTGGGCGAGTCGCAGTGGAAGCC-3'
Protein context (NP_001358857.1, residues 1372-1392): APELDGKHFP[Pro1382Ser]LAHPPTVFDA